The following is an entry in ClinVar:

NM_194454.3(KRIT1):c.1372C>T (p.Gln458Ter)

Gene: KRIT1 (KRIT1 ankyrin repeat containing; minus strand). Cytogenetic location: 7q21.2.
Variant type: single nucleotide variant.
Coding change: c.1372C>T on transcript NM_194454.3 (MANE Select); coding-DNA position 1372, C replaced by T.
Protein change: p.Gln458Ter; replaces glutamine 458 with a stop codon.
Molecular consequence: nonsense.
Genome position (GRCh38, 1-based): chr7:92,222,861, G>A on the plus strand (C>T on the coding strand, the complement: KRIT1 is on the minus strand). VCF-style: chr7-92222861-G-A. GRCh37 (hg19) VCF-style: chr7-91852175-G-A.
Other names: p.Gln458Ter; c.1228C>T, p.Gln410Ter (NM_001013406.2, NM_001350669.1, NM_001350670.1); c.1372C>T, p.Gln458Ter (NM_001350679.1, NM_001350680.1, NM_001350681.1 and 26 more transcripts); c.658C>T, p.Gln220Ter (NM_001350671.1); short protein forms Q458*, Q410*, Q220*.
Identifiers: ClinVar variation 590700 (VCV000590700.10), dbSNP rs1563266163, ClinGen allele CA368147158.

ClinVar aggregate classification (germline): Pathogenic/Likely pathogenic. Review status: criteria provided, multiple submitters, no conflicts (2 of 4 stars). 4 submissions from 4 submitters: Pathogenic (3); Likely pathogenic (1). Last evaluated 2024-09-05.

Conditions:
Cerebral cavernous malformation (CCM). Also called: Cavernous Hemangioma of Brain; Cerebral cavernous hemangioma (type); CAVERNOUS ANGIOMA, FAMILIAL; CAVERNOUS ANGIOMATOUS MALFORMATIONS; CEREBRAL CAPILLARY MALFORMATIONS; Cerebral cavernous malformations. Identifiers: Orphanet 221061, MedGen C2919945, MONDO:0000820, OMIM 116860, HP:0033522.

Submissions (4):

Molecular Genetics and NGS Laboratory, Hospital Fundacion Valle Del Lili
Classification: Pathogenic for Cerebral cavernous malformation. Last evaluated: 2024-09-05. Review status: criteria provided, single submitter. Criteria: ACMG Guidelines, 2015. Collection method: clinical testing. Allele origin: germline. Affected: yes. Observed: 1 variant allele.
Comment: Null variant (nonsense) in gene KRIT1, predicted to cause NMD. Loss-of-function is a known mechanism of disease (gene has 306 reported pathogenic LOF variants). The exon affects 1 functional domain: UniProt protein KRIT1_HUMAN domain 'FERM'. The exon contains 33 pathogenic variants. The truncated region contains 151 pathogenic variants (PVS1). Combined evidence strength is Strong (score = 4).Strong: ClinVar classifies this variant as Pathogenic (PP5). Variant not found in gnomAD genomes, good gnomAD genomes coverage = 30.8.Variant not found in gnomAD exomes, good gnomAD exomes coverage = 27.1 (PM2).

Labcorp Genetics (formerly Invitae), Labcorp
Classification: Pathogenic for Cerebral cavernous malformation. Last evaluated: 2021-09-17. Review status: criteria provided, single submitter. Criteria: Invitae Variant Classification Sherloc (09022015). Collection method: clinical testing. Allele origin: germline.
Comment: This sequence change creates a premature translational stop signal (p.Gln458*) in the KRIT1 gene. It is expected to result in an absent or disrupted protein product. Loss-of-function variants in KRIT1 are known to be pathogenic (PMID: 10508515, 11222804, 12404106, 24689081). This variant is not present in population databases (ExAC no frequency). This variant has not been reported in the literature in individuals affected with KRIT1-related conditions. ClinVar contains an entry for this variant (Variation ID: 590700). For these reasons, this variant has been classified as Pathogenic.

PreventionGenetics, part of Exact Sciences
Classification: Likely pathogenic. Last evaluated: 2017-06-06. Review status: criteria provided, single submitter. Criteria: ACMG Guidelines, 2015. Collection method: clinical testing. Allele origin: germline.

Clinical Genetics Service, Universitary Hospital 12 de Octubre
Classification: Pathogenic for Cerebral cavernous malformation. Review status: criteria provided, single submitter. Criteria: ACMG Guidelines, 2015. Collection method: clinical testing. Allele origin: germline. Affected: yes.

Literature cited by the submitters: PubMed 10508515 (cited by Labcorp Genetics (formerly Invitae), Labcorp); PubMed 11222804 (cited by Labcorp Genetics (formerly Invitae), Labcorp); PubMed 12404106 (cited by Labcorp Genetics (formerly Invitae), Labcorp); PubMed 24689081 (cited by Labcorp Genetics (formerly Invitae), Labcorp).